The following is an entry in ClinVar:

ClinVar aggregate classification (germline): Uncertain significance. Review status: criteria provided, multiple submitters, no conflicts (2 of 4 stars). 2 submissions from 2 submitters: Uncertain significance (2). Last evaluated 2025-05-05.

Conditions:
Fanconi anemia (FA). Also called: Fanconi's anemia. Identifiers: Orphanet 84, MedGen C0015625, MeSH D005199, MONDO:0019391.
Fanconi anemia complementation group P. Also called: SLX4-Related Fanconi Anemia. Identifiers: Orphanet 84, MedGen C3469542, MONDO:0013499, OMIM 613951.

Allele frequency attached by ClinVar (database versions not stated): TOPMed below 0.00001; gnomAD 0.00001; gnomAD exomes 0.00002; ExAC 0.00003; 1000 Genomes Project 30x 0.00016; 1000 Genomes Project 0.00020.
gnomAD v4.1: 27 of 1,614,076 alleles (0.0017%); highest among the groups gnomAD compares: Middle Eastern, 0.033%; no homozygotes.

Submissions (2):

Labcorp Genetics (formerly Invitae), Labcorp
Classification: Uncertain significance for Fanconi anemia. Last evaluated: 2025-05-05. Review status: criteria provided, single submitter. Criteria: Invitae Variant Classification Sherloc (09022015). Collection method: clinical testing. Allele origin: germline.
Comment: This sequence change replaces arginine, which is basic and polar, with tryptophan, which is neutral and slightly polar, at codon 429 of the SLX4 protein (p.Arg429Trp). This variant is present in population databases (rs532023958, gnomAD 0.006%). This variant has not been reported in the literature in individuals affected with SLX4-related conditions. ClinVar contains an entry for this variant (Variation ID: 1494437). An algorithm developed to predict the effect of missense changes on protein structure and function (PolyPhen-2) suggests that this variant is likely to be disruptive. In summary, the available evidence is currently insufficient to determine the role of this variant in disease. Therefore, it has been classified as a Variant of Uncertain Significance.

Fulgent Genetics
Classification: Uncertain significance for Fanconi anemia complementation group P. Last evaluated: 2022-01-13. Review status: criteria provided, single submitter. Criteria: ACMG Guidelines, 2015. Collection method: clinical testing. Allele origin: unknown.

NM_032444.4(SLX4):c.1285C>T (p.Arg429Trp)

Gene: SLX4 (SLX4 structure-specific endonuclease subunit; minus strand). Cytogenetic location: 16p13.3.
Variant type: single nucleotide variant.
Coding change: c.1285C>T on transcript NM_032444.4 (MANE Select); coding-DNA position 1285, C replaced by T.
Protein change: p.Arg429Trp; replaces arginine 429 with tryptophan.
Molecular consequence: missense variant.
Genome position (GRCh38, 1-based): chr16:3,597,878, G>A on the plus strand (C>T on the coding strand, the complement: SLX4 is on the minus strand). VCF-style: chr16-3597878-G-A. GRCh37 (hg19) VCF-style: chr16-3647879-G-A.
Other names: short protein forms R429W.
Identifiers: ClinVar variation 1494437 (VCV001494437.5), dbSNP rs532023958, ClinGen allele CA7866568.
Genomic context (GRCh38, chr16:3,597,878, plus strand): 5'-CAGAAAAGGCACTTTCCAGCCTGAGCGCTGGTACAGCCGCACCCGGCTCCATCTCCGACC[G>A]GGACAGAGCCATGGCCACCAGCAGGTCCTCGGACGGTGCCTCGTCCACCTTCCGCCTCTT-3'
Protein context (NP_115820.2, residues 419-439): EDLLVAMALS[Arg429Trp]SEMEPGAAVP